The following is an entry in ClinVar:

ClinVar aggregate classification (germline): Pathogenic (1 of 4 stars; one submission).

Conditions:
Hereditary breast ovarian cancer syndrome. Also called: Hereditary breast and ovarian cancer syndrome; BRCA1- and BRCA2-Associated Hereditary Breast and Ovarian Cancer; Breast and ovarian cancer; Hereditary breast and/or ovarian cancer syndrome; Hereditary breast and ovarian cancer syndrome (HBOC); Hereditary breast and ovarian cancer. Identifiers: Orphanet 145, MedGen C0677776, MeSH D061325, MONDO:0003582. Disease mechanism: loss of function.

Submission:

Labcorp Genetics (formerly Invitae), Labcorp
Classification: Pathogenic for Hereditary breast ovarian cancer syndrome. Last evaluated: 2022-11-09. Review status: criteria provided, single submitter. Criteria: Invitae Variant Classification Sherloc (09022015). Collection method: clinical testing. Allele origin: germline.
Comment: This sequence change creates a premature translational stop signal (p.Ser2704*) in the BRCA2 gene. It is expected to result in an absent or disrupted protein product. Loss-of-function variants in BRCA2 are known to be pathogenic (PMID: 20104584). This variant is not present in population databases (gnomAD no frequency). This variant has not been reported in the literature in individuals affected with BRCA2-related conditions. ClinVar contains an entry for this variant (Variation ID: 1404083). For these reasons, this variant has been classified as Pathogenic.

Literature cited by the submitters: PubMed 20104584.

NM_000059.4(BRCA2):c.8110_8111insAGCAATAAAACTAGTAGTGCAGCTGAAAC (p.Ser2704Ter)

Gene: BRCA2 (BRCA2 DNA repair associated; plus strand). Cytogenetic location: 13q13.1.
Variant type: Insertion.
Coding change: c.8110_8111insAGCAATAAAACTAGTAGTGCAGCTGAAAC on transcript NM_000059.4 (MANE Select); coding-DNA positions 8110 to 8111, AGCAATAAAACTAGTAGTGCAGCTGAAAC inserted.
Protein change: p.Ser2704Ter; replaces serine 2704 with a stop codon.
Molecular consequence: nonsense.
Genome position: GRCh38 VCF-style: chr13-32363312-T-TAGCAATAAAACTAGTAGTGCAGCTGAAAC. GRCh37 (hg19) VCF-style: chr13-32937449-T-TAGCAATAAAACTAGTAGTGCAGCTGAAAC.
Other names: short protein forms S2704*.
Identifiers: ClinVar variation 1404083 (VCV001404083.6), dbSNP rs2137580829, ClinGen allele CA2573149379.